The following is an entry in ClinVar:

NM_000045.4(ARG1):c.464dup (p.Ile156fs)

Genes: ARG1 (arginase 1; plus strand), MED23 (mediator complex subunit 23; minus strand). Cytogenetic location: 6q23.2.
Variant type: Duplication.
Coding change: c.464dup on transcript NM_000045.4 (MANE Select); coding-DNA position 464, one base duplicated (A; older notation c.464dupA).
Protein change: p.Ile156fs; shifts the reading frame from isoleucine 156.
Molecular consequence: frameshift variant. On other transcripts: non-coding transcript variant (1), intron variant (3).
Genome position (GRCh38, 1-based): chr6:131,581,377, A duplicated; the last of 3 consecutive A bases (chr6:131,581,375-131,581,377); duplicating any one gives the same sequence. VCF-style (leftmost placement, unchanged base first): chr6-131581374-G-GA. GRCh37 (hg19) VCF-style: chr6-131902514-G-GA.
Other names: c.488dup, p.Ile164fs (NM_001244438.2); c.306-1683dup (NM_001369020.1); c.4077+6334dup (NM_001270521.2); c.4095+6334dup (NM_015979.4); short protein forms I156fs, I164fs.
Identifiers: ClinVar variation 852613 (VCV000852613.9), dbSNP rs1773916575, ClinGen allele CA916082898.
Genomic context (GRCh38, chr6:131,581,374, plus strand): 5'-CAACCACAAGTGGAAACTTGCATGGACAACCTGTATCTTTCCTCCTGAAGGAACTAAAAG[G>GA]AAAGGTAAAAGACTGGTTGGTACTCTAGTGCAATAGAATACTTTTTAGTAGACATTCAGG-3'

ClinVar aggregate classification (germline): Pathogenic (1 of 4 stars; one submission).

Conditions:
Arginase deficiency. Also called: ARGININEMIA; Arginase 1 Deficiency; ARG1 DEFICIENCY. Identifiers: Orphanet 90, MedGen C0268548, MONDO:0008814, OMIM 207800.

Submission:

Labcorp Genetics (formerly Invitae), Labcorp
Classification: Pathogenic for Arginase deficiency. Last evaluated: 2023-06-25. Review status: criteria provided, single submitter. Criteria: Invitae Variant Classification Sherloc (09022015). Collection method: clinical testing. Allele origin: germline.
Comment: This variant is not present in population databases (gnomAD no frequency). This sequence change creates a premature translational stop signal (p.Ile156Aspfs*41) in the ARG1 gene. It is expected to result in an absent or disrupted protein product. Loss-of-function variants in ARG1 are known to be pathogenic (PMID: 7649538, 12052859). This variant has not been reported in the literature in individuals affected with ARG1-related conditions. ClinVar contains an entry for this variant (Variation ID: 852613). For these reasons, this variant has been classified as Pathogenic.

Literature cited by the submitters: PubMed 7649538; PubMed 12052859.